The following is an entry in ClinVar:

ClinVar aggregate classification (germline): Uncertain significance (1 of 4 stars; one submission).

Conditions:
Spastic paraplegia. Identifiers: MedGen C0037772, HP:0001258.

gnomAD v4.1: 3 of 1,614,172 alleles (0.00019%); highest among the groups gnomAD compares: Non-Finnish European, 0.00025%; no homozygotes.

Submission:

Labcorp Genetics (formerly Invitae), Labcorp
Classification: Uncertain significance for Spastic paraplegia. Last evaluated: 2025-01-13. Review status: criteria provided, single submitter. Criteria: Invitae Variant Classification Sherloc (09022015). Collection method: clinical testing. Allele origin: germline.
Comment: This sequence change replaces glycine, which is neutral and non-polar, with valine, which is neutral and non-polar, at codon 674 of the ZFYVE26 protein (p.Gly674Val). This variant is not present in population databases (gnomAD no frequency). This variant has not been reported in the literature in individuals affected with ZFYVE26-related conditions. ClinVar contains an entry for this variant (Variation ID: 1416928). An algorithm developed to predict the effect of missense changes on protein structure and function (PolyPhen-2) suggests that this variant is likely to be disruptive. In summary, the available evidence is currently insufficient to determine the role of this variant in disease. Therefore, it has been classified as a Variant of Uncertain Significance.

NM_015346.4(ZFYVE26):c.2021G>T (p.Gly674Val)

Gene: ZFYVE26 (zinc finger FYVE-type containing 26; minus strand). Cytogenetic location: 14q24.1.
Variant type: single nucleotide variant.
Coding change: c.2021G>T on transcript NM_015346.4 (MANE Select); coding-DNA position 2021, G replaced by T.
Protein change: p.Gly674Val; replaces glycine 674 with valine.
Molecular consequence: missense variant.
Genome position (GRCh38, 1-based): chr14:67,798,241, C>A on the plus strand (G>T on the coding strand, the complement: ZFYVE26 is on the minus strand). VCF-style: chr14-67798241-C-A. GRCh37 (hg19) VCF-style: chr14-68264958-C-A.
Other names: short protein forms G674V.
Identifiers: ClinVar variation 1416928 (VCV001416928.8), dbSNP rs1442699861, ClinGen allele CA390175349.